The following is an entry in ClinVar:

NM_015057.5(MYCBP2):c.11718G>A (p.Thr3906=)

Genes: MYCBP2 (MYC binding protein 2; minus strand), MYCBP2-AS1 (MYCBP2 antisense RNA 1; plus strand). Cytogenetic location: 13q22.3.
Variant type: single nucleotide variant.
Coding change: c.11718G>A on transcript NM_015057.5 (MANE Select); coding-DNA position 11718, G replaced by A.
Protein change: p.Thr3906=; no amino-acid change (threonine 3906 retained).
Molecular consequence: synonymous variant.
Genome position (GRCh38, 1-based): chr13:77,077,154, C>T on the plus strand (G>A on the coding strand, the complement: MYCBP2 is on the minus strand). VCF-style: chr13-77077154-C-T. GRCh37 (hg19) VCF-style: chr13-77651289-C-T.
Identifiers: ClinVar variation 781107 (VCV000781107.7), dbSNP rs17067178, ClinGen allele CA7008083.
Genomic context (GRCh38, chr13:77,077,154, plus strand): 5'-TAAAATATATTACATCAATTATCCTGTGCTAGAATATGTTGTAAGGACACTCACTTGAGA[C>T]GTAATCAGTCTGAATACTCGCAGAGTCTCAGCTTCACAGTTCCTCTGCTGGGCCACACTG-3'
Protein context (NP_055872.4, residues 3896-3916): AETLRVFRLI[Thr3906=]SQVFGKLISG

ClinVar aggregate classification (germline): Benign. Review status: criteria provided, multiple submitters, no conflicts (2 of 4 stars). 3 submissions from 3 submitters: Benign (2). 1 of the submissions does not count toward it. Last evaluated 2019-12-31.

Conditions:
MYCBP2-related disorder. Also called: MYCBP2-related condition.

Allele frequency attached by ClinVar (database versions not stated): gnomAD 0.02847 and 0.02686; ESP Exome Variant Server 0.03014; gnomAD exomes 0.00724 and 0.00286; 1000 Genomes Project 0.03474; ExAC 0.00885; TOPMed 0.03010; 1000 Genomes Project 30x 0.03841.
gnomAD v4.1: 8,430 of 1,613,400 alleles (0.52%); highest among the groups gnomAD compares: African/African-American, 9.4%; 364 homozygotes.

Submissions (3):

Labcorp Genetics (formerly Invitae), Labcorp
Classification: Benign. Last evaluated: 2019-12-31. Review status: criteria provided, single submitter. Criteria: Invitae Variant Classification Sherloc (09022015). Collection method: clinical testing. Allele origin: germline.

Breakthrough Genomics
Classification: Benign. Review status: criteria provided, single submitter. Criteria: ACMG Guidelines, 2015. Collection method: not provided. Allele origin: germline. Inheritance: Unknown mechanism. Affected: yes.

PreventionGenetics, part of Exact Sciences
Classification: Benign for MYCBP2-related condition. Last evaluated: 2019-02-20. Review status: no assertion criteria provided. Collection method: clinical testing. Allele origin: germline. Not counted in ClinVar's aggregate classification.
Comment: This variant is classified as benign based on ACMG/AMP sequence variant interpretation guidelines (Richards et al. 2015 PMID: 25741868, with internal and published modifications).